The following is an entry in ClinVar:

ClinVar aggregate classification (germline): Uncertain significance (1 of 4 stars; one submission).

gnomAD v4.1: 5 of 1,614,110 alleles (0.00031%); highest among the groups gnomAD compares: Non-Finnish European, 0.00042%; no homozygotes.

Submission:

Labcorp Genetics (formerly Invitae), Labcorp
Classification: Uncertain significance. Last evaluated: 2024-02-02. Review status: criteria provided, single submitter. Criteria: Invitae Variant Classification Sherloc (09022015). Collection method: clinical testing. Allele origin: germline.
Comment: This sequence change replaces isoleucine, which is neutral and non-polar, with valine, which is neutral and non-polar, at codon 36 of the SLC1A3 protein (p.Ile36Val). This variant is present in population databases (rs776251668, gnomAD 0.0009%). This variant has not been reported in the literature in individuals affected with SLC1A3-related conditions. An algorithm developed to predict the effect of missense changes on protein structure and function (PolyPhen-2) suggests that this variant is likely to be tolerated. In summary, the available evidence is currently insufficient to determine the role of this variant in disease. Therefore, it has been classified as a Variant of Uncertain Significance.

NM_004172.5(SLC1A3):c.106A>G (p.Ile36Val)

Gene: SLC1A3 (solute carrier family 1 member 3; plus strand). Cytogenetic location: 5p13.2.
Variant type: single nucleotide variant.
Coding change: c.106A>G on transcript NM_004172.5 (MANE Select); coding-DNA position 106, A replaced by G.
Protein change: p.Ile36Val; replaces isoleucine 36 with valine.
Molecular consequence: missense variant.
Genome position (GRCh38, 1-based): chr5:36,608,529, A>G. VCF-style: chr5-36608529-A-G. GRCh37 (hg19) VCF-style: chr5-36608631-A-G.
Other names: c.106A>G, p.Ile36Val (NM_001166695.3, NM_001166696.3, NM_001289939.2 and 1 more transcripts); short protein forms I36V.
Identifiers: ClinVar variation 3695515 (VCV003695515.2).
Genomic context (GRCh38, chr5:36,608,529, plus strand): 5'-GAGAGATTCCAGCAGGGAGTCCGTAAACGCACACTTTTGGCCAAGAAGAAAGTGCAGAAC[A>G]TTACAAAGGAGGATGTTAAAAGTTACCTGTTTCGGAATGCTTTTGTGCTGCTCACAGTCA-3'
Protein context (NP_004163.3, residues 26-46): TLLAKKKVQN[Ile36Val]TKEDVKSYLF